The following is an entry in ClinVar:

NM_005909.5(MAP1B):c.3671G>A (p.Arg1224His)

Gene: MAP1B (microtubule associated protein 1B; plus strand). Cytogenetic location: 5q13.2.
Variant type: single nucleotide variant.
Coding change: c.3671G>A on transcript NM_005909.5 (MANE Select); coding-DNA position 3671, G replaced by A.
Protein change: p.Arg1224His; replaces arginine 1224 with histidine.
Molecular consequence: missense variant.
Genome position (GRCh38, 1-based): chr5:72,197,026, G>A. VCF-style: chr5-72197026-G-A. GRCh37 (hg19) VCF-style: chr5-71492853-G-A.
Other names: c.3293G>A, p.Arg1098His (NM_001324255.2); short protein forms R1098H, R1224H.
Identifiers: ClinVar variation 4980794 (VCV004980794.1).

ClinVar aggregate classification (germline): Uncertain significance (1 of 4 stars; one submission).

Conditions:
MAP1B-related disorder. Also called: MAP1B-related condition.

gnomAD v4.1: 14 of 1,614,154 alleles (0.00087%); highest among the groups gnomAD compares: Admixed American, 0.0033%; no homozygotes.

Submission:

PreventionGenetics, part of Exact Sciences
Classification: Uncertain significance for MAP1B-related condition. Last evaluated: 2025-11-10. Review status: criteria provided, single submitter. Criteria: ACMG Guidelines, 2015. Collection method: clinical testing. Allele origin: germline.
Comment: The MAP1B c.3671G>A variant is predicted to result in the amino acid substitution p.Arg1224His. To our knowledge, this variant has not been reported in the literature. This variant is reported in 0.0058% of alleles in individuals of Latino descent in gnomAD. At this time, the clinical significance of this variant is uncertain due to the absence of conclusive functional and genetic evidence.